The following is an entry in ClinVar:

NM_006204.4(PDE6C):c.1513G>A (p.Glu505Lys)

Gene: PDE6C (phosphodiesterase 6C; plus strand). Cytogenetic location: 10q23.33.
Variant type: single nucleotide variant.
Coding change: c.1513G>A on transcript NM_006204.4 (MANE Select); coding-DNA position 1513, G replaced by A.
Protein change: p.Glu505Lys; replaces glutamic acid 505 with lysine.
Molecular consequence: missense variant.
Genome position (GRCh38, 1-based): chr10:93,640,100, G>A. VCF-style: chr10-93640100-G-A. GRCh37 (hg19) VCF-style: chr10-95399857-G-A.
Other names: short protein forms E505K.
Identifiers: ClinVar variation 1933015 (VCV001933015.5), dbSNP rs377715415, ClinGen allele CA211539720.
Genomic context (GRCh38, chr10:93,640,100, plus strand): 5'-ATCTGAAACAACCCATCCTTATTTCAACAGAAAGAGGACTTGCCAGACCCACGCTCAGCA[G>A]AACTGTACGAATTCCGCTTCAGTGACTTCCCCCTTACAGAGCACGGATTGATTAAATGTG-3'
Protein context (NP_006195.3, residues 495-515): KEDLPDPRSA[Glu505Lys]LYEFRFSDFP

ClinVar aggregate classification (germline): Uncertain significance (1 of 4 stars; one submission).

Allele frequency attached by ClinVar (database versions not stated): gnomAD exomes below 0.00001; TOPMed below 0.00001; ESP Exome Variant Server 0.00008.
gnomAD v4.1: 4 of 1,614,116 alleles (0.00025%); highest among the groups gnomAD compares: Non-Finnish European, 0.00034%; no homozygotes.

Submission:

Labcorp Genetics (formerly Invitae), Labcorp
Classification: Uncertain significance. Last evaluated: 2022-04-13. Review status: criteria provided, single submitter. Criteria: Invitae Variant Classification Sherloc (09022015). Collection method: clinical testing. Allele origin: germline.
Comment: In summary, the available evidence is currently insufficient to determine the role of this variant in disease. Therefore, it has been classified as a Variant of Uncertain Significance. Algorithms developed to predict the effect of missense changes on protein structure and function (SIFT, PolyPhen-2, Align-GVGD) all suggest that this variant is likely to be tolerated. This variant has not been reported in the literature in individuals affected with PDE6C-related conditions. This variant is not present in population databases (gnomAD no frequency). This sequence change replaces glutamic acid, which is acidic and polar, with lysine, which is basic and polar, at codon 505 of the PDE6C protein (p.Glu505Lys).